The following is an entry in ClinVar:

ClinVar aggregate classification (germline): Uncertain significance (1 of 4 stars; one submission).

Conditions:
OSTC-related Disorders.

Submission:

Neuberg Centre For Genomic Medicine, NCGM
Classification: Uncertain significance for OSTC-related Disorders. Review status: criteria provided, single submitter. Criteria: ACMG Guidelines, 2015. Collection method: clinical testing. Allele origin: germline. Inheritance: Autosomal recessive inheritance. Affected: yes.
Comment: OSTC is a candidate gene and it is a gene of uncertain significance (GUS); limited literature evidence exists in support of developmental delay and/or epilepsy.

NM_021227.4(OSTC):c.290G>A (p.Gly97Glu)

Gene: OSTC (oligosaccharyltransferase complex non-catalytic subunit; plus strand). Cytogenetic location: 4q25.
Variant type: single nucleotide variant.
Coding change: c.290G>A on transcript NM_021227.4 (MANE Select); coding-DNA position 290, G replaced by A.
Protein change: p.Gly97Glu; replaces glycine 97 with glutamic acid.
Molecular consequence: missense variant. On other transcripts: intron variant (1).
Genome position (GRCh38, 1-based): chr4:108,657,506, G>A. VCF-style: chr4-108657506-G-A. GRCh37 (hg19) VCF-style: chr4-109578662-G-A.
Other names: c.290G>A, p.Gly97Glu (NM_001267818.2); c.233+1849G>A (NM_001267817.2); short protein forms G97E.
Identifiers: ClinVar variation 4086261 (VCV004086261.1).